The following is an entry in ClinVar:

ClinVar aggregate classification (germline): Uncertain significance (1 of 4 stars; one submission).

Conditions:
Hereditary cancer-predisposing syndrome. Also called: Tumor predisposition; Hereditary neoplastic syndrome; Hereditary Cancer Syndrome; Neoplastic Syndromes, Hereditary. Identifiers: Orphanet 140162, MedGen C0027672, MeSH D009386, MONDO:0015356.

Submission:

Ambry Genetics
Classification: Uncertain significance for Hereditary cancer-predisposing syndrome. Last evaluated: 2025-05-08. Review status: criteria provided, single submitter. Criteria: Ambry Variant Classification Scheme 2023. Collection method: clinical testing. Allele origin: germline.
Comment: The c.352_354delGCGinsTCC variant (also known as p.A118S), located in coding exon 2 of the PHOX2B gene, results from an in-frame deletion of GCG and insertion of TCC at nucleotide positions 352 to 354. This results in the substitution of the alanine residue for a serine residue at codon 118, an amino acid with similar properties. This amino acid position is highly conserved in available vertebrate species. In addition, this variant is predicted to be neutral by in silico analysis (Choi Y et al. PLoS ONE. 2012; 7(10):e46688). Based on the available evidence, the clinical significance of this variant remains unclear.

NM_003924.4(PHOX2B):c.352_354delinsTCC (p.Ala118Ser)

Gene: PHOX2B (paired like homeobox 2B; minus strand). Cytogenetic location: 4p13.
Variant type: Indel.
Coding change: c.352_354delinsTCC on transcript NM_003924.4 (MANE Select); coding-DNA positions 352 to 354, GCG replaced by TCC.
Protein change: p.Ala118Ser; replaces alanine 118 with serine.
Molecular consequence: missense variant.
Genome position (GRCh38, 1-based): chr4:41,747,424-41,747,426, CGC replaced by GGA on the plus strand (GCG replaced by TCC on the coding strand, the reverse complement: PHOX2B is on the minus strand). VCF-style: chr4-41747424-CGC-GGA. GRCh37 (hg19) VCF-style: chr4-41749441-CGC-GGA.
Other names: short protein forms A118S.
Identifiers: ClinVar variation 3931845 (VCV003931845.1).